The following is an entry in ClinVar:

NM_000433.4(NCF2):c.246C>A (p.Tyr82Ter)

Gene: NCF2 (neutrophil cytosolic factor 2; minus strand). Cytogenetic location: 1q25.3.
Variant type: single nucleotide variant.
Coding change: c.246C>A on transcript NM_000433.4 (MANE Select); coding-DNA position 246, C replaced by A.
Protein change: p.Tyr82Ter; replaces tyrosine 82 with a stop codon.
Molecular consequence: nonsense.
Genome position (GRCh38, 1-based): chr1:183,586,906, G>T on the plus strand (C>A on the coding strand, the complement: NCF2 is on the minus strand). VCF-style: chr1-183586906-G-T. GRCh37 (hg19) VCF-style: chr1-183556041-G-T.
Other names: c.246C>A, p.Tyr82Ter (NM_001127651.3, NM_001190789.2, NM_001190794.2 and 1 more transcripts); short protein forms Y82*.
Identifiers: ClinVar variation 2860010 (VCV002860010.3), dbSNP rs2528021632, ClinGen allele CA343683020.

ClinVar aggregate classification (germline): Pathogenic (1 of 4 stars; one submission).

Conditions:
Granulomatous disease, chronic, autosomal recessive, cytochrome b-positive, type 2. Also called: GRANULOMATOUS DISEASE, CHRONIC, DUE TO NCF2 DEFICIENCY; GRANULOMATOUS DISEASE, CHRONIC, AUTOSOMAL RECESSIVE, 2; Chronic granulomatous disease due to deficiency of NCF-2; CGD, AUTOSOMAL RECESSIVE CYTOCHROME b-POSITIVE, TYPE II; Chronic Granulomatous Disease, Autosomal Recessive, Cytochrome b-Positive, Type II. Identifiers: Orphanet 379, MedGen C1856245, MONDO:0009310, OMIM 233710.

Submission:

Labcorp Genetics (formerly Invitae), Labcorp
Classification: Pathogenic for Granulomatous disease, chronic, autosomal recessive, cytochrome b-positive, type 2. Last evaluated: 2023-10-22. Review status: criteria provided, single submitter. Criteria: Invitae Variant Classification Sherloc (09022015). Collection method: clinical testing. Allele origin: germline.
Comment: This sequence change creates a premature translational stop signal (p.Tyr82*) in the NCF2 gene. It is expected to result in an absent or disrupted protein product. Loss-of-function variants in NCF2 are known to be pathogenic (PMID: 10498624, 20167518). This variant is not present in population databases (gnomAD no frequency). This variant has not been reported in the literature in individuals affected with NCF2-related conditions. For these reasons, this variant has been classified as Pathogenic.

Literature cited by the submitters: PubMed 10498624; PubMed 20167518.